The following is an entry in ClinVar:

ClinVar aggregate classification (germline): Uncertain significance. Review status: criteria provided, multiple submitters, no conflicts (2 of 4 stars). 2 submissions from 2 submitters: Uncertain significance (2). Last evaluated 2024-03-15.

Conditions:
Wilms tumor 6 (WT6). Also called: WILMS TUMOR 6, SUSCEPTIBILITY TO. Identifiers: Orphanet 654, MedGen C3891301, MONDO:0014779, OMIM 616806.
Fibromatosis, gingival, 5. Also called: FIBROMATOSIS, GINGIVAL, HEREDITARY, 5. Identifiers: MedGen C4539942, MONDO:0033493, OMIM 617626.
Autosomal dominant nonsyndromic hearing loss 27. Also called: Deafness, autosomal dominant 27. Identifiers: Orphanet 90635, MedGen C3887929, MONDO:0012902, OMIM 612431.

Allele frequency attached by ClinVar (database versions not stated): ExAC 0.00001; gnomAD 0.00001; gnomAD exomes 0.00001; 1000 Genomes Project 0.00020; 1000 Genomes Project 30x 0.00031.
gnomAD v4.1: 4 of 1,614,270 alleles (0.00025%); highest among the groups gnomAD compares: Admixed American, 0.0017%; no homozygotes.

Submissions (2):

Fulgent Genetics
Classification: Uncertain significance for Autosomal dominant nonsyndromic hearing loss 27; Wilms tumor 6; Fibromatosis, gingival, 5. Last evaluated: 2024-03-15. Review status: criteria provided, single submitter. Criteria: ACMG Guidelines, 2015. Collection method: clinical testing. Allele origin: germline.

Labcorp Genetics (formerly Invitae), Labcorp
Classification: Uncertain significance. Last evaluated: 2023-08-17. Review status: criteria provided, single submitter. Criteria: Invitae Variant Classification Sherloc (09022015). Collection method: clinical testing. Allele origin: germline.
Comment: This variant is present in population databases (rs557500462, gnomAD 0.003%). This sequence change replaces asparagine, which is neutral and polar, with serine, which is neutral and polar, at codon 927 of the REST protein (p.Asn927Ser). This variant has not been reported in the literature in individuals affected with REST-related conditions. ClinVar contains an entry for this variant (Variation ID: 1446534). Algorithms developed to predict the effect of missense changes on protein structure and function output the following: SIFT: "Not Available"; PolyPhen-2: "Benign"; Align-GVGD: "Not Available". The serine amino acid residue is found in multiple mammalian species, which suggests that this missense change does not adversely affect protein function. In summary, the available evidence is currently insufficient to determine the role of this variant in disease. Therefore, it has been classified as a Variant of Uncertain Significance.

NM_005612.5(REST):c.2780A>G (p.Asn927Ser)

Gene: REST (RE1 silencing transcription factor; plus strand). Cytogenetic location: 4q12.
Variant type: single nucleotide variant.
Coding change: c.2780A>G on transcript NM_005612.5 (MANE Select); coding-DNA position 2780, A replaced by G.
Protein change: p.Asn927Ser; replaces asparagine 927 with serine.
Molecular consequence: missense variant.
Genome position (GRCh38, 1-based): chr4:56,931,638, A>G. VCF-style: chr4-56931638-A-G. GRCh37 (hg19) VCF-style: chr4-57797804-A-G.
Other names: c.2780A>G, p.Asn927Ser (NM_001193508.2, NM_001363453.3); short protein forms N927S.
Identifiers: ClinVar variation 1446534 (VCV001446534.7), dbSNP rs557500462, ClinGen allele CA2932553.